The following is an entry in ClinVar:

NM_020919.4(ALS2):c.367T>C (p.Cys123Arg)

Gene: ALS2 (alsin Rho guanine nucleotide exchange factor ALS2; minus strand). Cytogenetic location: 2q33.1.
Variant type: single nucleotide variant.
Coding change: c.367T>C on transcript NM_020919.4 (MANE Select); coding-DNA position 367, T replaced by C.
Protein change: p.Cys123Arg; replaces cysteine 123 with arginine.
Molecular consequence: missense variant.
Genome position (GRCh38, 1-based): chr2:201,761,627, A>G on the plus strand (T>C on the coding strand, the complement: ALS2 is on the minus strand). VCF-style: chr2-201761627-A-G. GRCh37 (hg19) VCF-style: chr2-202626350-A-G.
Other names: c.367T>C, p.Cys123Arg (NM_001135745.2); short protein forms C123R.
Identifiers: ClinVar variation 858653 (VCV000858653.2), dbSNP rs1429775734, ClinGen allele CA350329010.

ClinVar aggregate classification (germline): Uncertain significance. Review status: criteria provided, multiple submitters, no conflicts (2 of 4 stars). 2 submissions from 2 submitters: Uncertain significance (2). Last evaluated 2019-08-08.

Conditions:
Juvenile primary lateral sclerosis (PLSJ). Also called: Juvenile Primary Lateral Sclerosis (JPLS). Identifiers: Orphanet 247604, MedGen C1853396, MONDO:0011663, OMIM 606353.
Infantile-onset ascending hereditary spastic paralysis (IAHSP). Also called: Infantile-Onset Ascending Hereditary Spastic Paralysis (IAHSP); Autosomal Recessive Juvenile Amyotrophic Lateral Sclerosis. Identifiers: Orphanet 293168, MedGen C2931441, MONDO:0011797, OMIM 607225. Disease mechanism: loss of function.

Allele frequency attached by ClinVar (database versions not stated): gnomAD 0.00001; TOPMed 0.00001; gnomAD exomes below 0.00001.
gnomAD v4.1: 2 of 1,614,048 alleles (0.00012%); highest among the groups gnomAD compares: Non-Finnish European, 0.00017%; no homozygotes.

Submissions (2):

Baylor Genetics
Classification: Uncertain significance for Juvenile primary lateral sclerosis. Last evaluated: 2019-08-08. Review status: criteria provided, single submitter. Criteria: ACMG Guidelines, 2015. Collection method: clinical testing. Allele origin: unknown. Affected: yes.
Comment: This variant was determined to be of uncertain significance according to ACMG Guidelines, 2015 [PMID:25741868].

Labcorp Genetics (formerly Invitae), Labcorp
Classification: Uncertain significance for Infantile-onset ascending hereditary spastic paralysis. Last evaluated: 2019-04-10. Review status: criteria provided, single submitter. Criteria: Invitae Variant Classification Sherloc (09022015). Collection method: clinical testing. Allele origin: germline.
Comment: This sequence change replaces cysteine with arginine at codon 123 of the ALS2 protein (p.Cys123Arg). The cysteine residue is moderately conserved and there is a large physicochemical difference between cysteine and arginine. This variant is not present in population databases (ExAC no frequency). This variant has not been reported in the literature in individuals with ALS2-related conditions. Algorithms developed to predict the effect of missense changes on protein structure and function are either unavailable or do not agree on the potential impact of this missense change (SIFT: "Deleterious"; PolyPhen-2: "Probably Damaging"; Align-GVGD: "Class C0"). This variant disrupts the p.Cys123 amino acid residue in ALS2. Other variant(s) that disrupt this residue have been observed in individuals with ALS2-related conditions (PMID: 27601211), suggesting that it is a clinically significant residue. As a result, variants that disrupt this residue are likely to be causative of disease. In summary, the available evidence is currently insufficient to determine the role of this variant in disease. Therefore, it has been classified as a Variant of Uncertain Significance.

Literature cited by the submitters: PubMed 27601211 (cited by Labcorp Genetics (formerly Invitae), Labcorp).